The following is an entry in ClinVar:

NM_000096.4(CP):c.147-1G>T

Gene: CP (ceruloplasmin; minus strand). Cytogenetic location: 3q25.1.
Variant type: single nucleotide variant.
Coding change: c.147-1G>T on transcript NM_000096.4 (MANE Select); the canonical splice acceptor site of the intron before coding-DNA position 147, G replaced by T.
Molecular consequence: splice acceptor variant.
Genome position (GRCh38, 1-based): chr3:149,212,699, C>A on the plus strand (G>T on the coding strand, the complement: CP is on the minus strand). VCF-style: chr3-149212699-C-A. GRCh37 (hg19) VCF-style: chr3-148930486-C-A.
Other names: NC_000003.11:g.148930486C>A.
Identifiers: ClinVar variation 4522543 (VCV004522543.2).

ClinVar aggregate classification (germline): Likely pathogenic (1 of 4 stars; one submission).

Submissions (2):

Mayo Clinic Laboratories, Mayo Clinic
Classification: Likely pathogenic. Last evaluated: 2025-06-07. Review status: criteria provided, single submitter. Criteria: ACMG Guidelines, 2015. Collection method: clinical testing. Allele origin: germline. Observed: 1 variant allele.
Comment: PM2_supporting, PVS1

Dr. Peter K. Rogan Lab, Western University
No classification provided (evidence only). Condition: Thyroid cancer, nonmedullary, 1. Review status: no classification provided. Collection method: in vitro. Allele origin: not applicable. Functional consequence: retained intron. Not counted in ClinVar's aggregate classification.